The following is an entry in ClinVar:

NM_004369.4(COL6A3):c.2794G>T (p.Ala932Ser)

Gene: COL6A3 (collagen type VI alpha 3 chain; minus strand). Cytogenetic location: 2q37.3.
Variant type: single nucleotide variant.
Coding change: c.2794G>T on transcript NM_004369.4 (MANE Select); coding-DNA position 2794, G replaced by T.
Protein change: p.Ala932Ser; replaces alanine 932 with serine.
Molecular consequence: missense variant.
Genome position (GRCh38, 1-based): chr2:237,377,048, C>A on the plus strand (G>T on the coding strand, the complement: COL6A3 is on the minus strand). VCF-style: chr2-237377048-C-A. GRCh37 (hg19) VCF-style: chr2-238285691-C-A.
Other names: c.1573G>T, p.Ala525Ser (NM_057164.5); c.2176G>T, p.Ala726Ser (NM_057165.5, NM_057167.4); c.973G>T, p.Ala325Ser (NM_057166.5); short protein forms A325S, A525S, A726S, A932S.
Identifiers: ClinVar variation 3699164 (VCV003699164.2).

ClinVar aggregate classification (germline): Uncertain significance (1 of 4 stars; one submission).

Conditions:
Bethlem myopathy 1A. Also called: MYOPATHY, BENIGN CONGENITAL, WITH CONTRACTURES; Bethlem myopathy 1; Bethlem Muscular Dystrophy. Identifiers: Orphanet 610, MedGen CN029274, MONDO:0024530, OMIM 158810.

gnomAD v4.1: 2 of 1,614,200 alleles (0.00012%); highest among the groups gnomAD compares: Non-Finnish European, 0.00017%; no homozygotes.

Submission:

Labcorp Genetics (formerly Invitae), Labcorp
Classification: Uncertain significance for Bethlem myopathy 1A. Last evaluated: 2024-03-02. Review status: criteria provided, single submitter. Criteria: Invitae Variant Classification Sherloc (09022015). Collection method: clinical testing. Allele origin: germline.
Comment: This sequence change replaces alanine, which is neutral and non-polar, with serine, which is neutral and polar, at codon 932 of the COL6A3 protein (p.Ala932Ser). This variant is not present in population databases (gnomAD no frequency). This variant has not been reported in the literature in individuals affected with COL6A3-related conditions. Advanced modeling of protein sequence and biophysical properties (such as structural, functional, and spatial information, amino acid conservation, physicochemical variation, residue mobility, and thermodynamic stability) performed at Invitae indicates that this missense variant is not expected to disrupt COL6A3 protein function with a negative predictive value of 80%. In summary, the available evidence is currently insufficient to determine the role of this variant in disease. Therefore, it has been classified as a Variant of Uncertain Significance.